The following is an entry in ClinVar:

NM_014264.5(PLK4):c.2414+4A>C

Gene: PLK4 (polo like kinase 4; plus strand). Cytogenetic location: 4q28.1.
Variant type: single nucleotide variant.
Coding change: c.2414+4A>C on transcript NM_014264.5 (MANE Select); 4 bases into the intron after coding-DNA position 2414, A replaced by C.
Molecular consequence: intron variant.
Genome position (GRCh38, 1-based): chr4:127,893,608, A>C. VCF-style: chr4-127893608-A-C. GRCh37 (hg19) VCF-style: chr4-128814763-A-C.
Other names: c.2318+4A>C (NM_001190799.2); c.2291+4A>C (NM_001190801.2).
Identifiers: ClinVar variation 1006907 (VCV001006907.10), dbSNP rs141246117, ClinGen allele CA3077046.

ClinVar aggregate classification (germline): Conflicting classifications of pathogenicity. Review status: criteria provided, conflicting classifications (1 of 4 stars). 4 submissions from 4 submitters: Uncertain significance (3); Likely benign (1). Last evaluated 2024-02-19.

Conditions:
Inborn genetic diseases. Identifiers: MedGen C0950123, MeSH D030342.

Allele frequency attached by ClinVar (database versions not stated): gnomAD exomes 0.00001 and 0.00005; ExAC 0.00006; gnomAD 0.00014 and 0.00016; ESP Exome Variant Server 0.00015; 1000 Genomes Project 0.00020; TOPMed 0.00022; 1000 Genomes Project 30x 0.00031.
gnomAD v4.1: 41 of 1,600,732 alleles (0.0026%); highest among the groups gnomAD compares: African/African-American, 0.046%; no homozygotes.

Submissions (4):

Blueprint Genetics
Classification: Likely benign. Last evaluated: 2024-02-19. Review status: criteria provided, single submitter. Criteria: ACMG Guidelines, 2015. Collection method: clinical testing. Allele origin: germline.

Labcorp Genetics (formerly Invitae), Labcorp
Classification: Uncertain significance. Last evaluated: 2023-12-11. Review status: criteria provided, single submitter. Criteria: Invitae Variant Classification Sherloc (09022015). Collection method: clinical testing. Allele origin: germline.
Comment: This sequence change falls in intron 12 of the PLK4 gene. It does not directly change the encoded amino acid sequence of the PLK4 protein. It affects a nucleotide within the consensus splice site. This variant is present in population databases (rs141246117, gnomAD 0.07%). This variant has not been reported in the literature in individuals affected with PLK4-related conditions. ClinVar contains an entry for this variant (Variation ID: 1006907). Variants that disrupt the consensus splice site are a relatively common cause of aberrant splicing (PMID: 17576681, 9536098). Algorithms developed to predict the effect of sequence changes on RNA splicing suggest that this variant may disrupt the consensus splice site. In summary, the available evidence is currently insufficient to determine the role of this variant in disease. Therefore, it has been classified as a Variant of Uncertain Significance.

Ambry Genetics
Classification: Uncertain significance for Inborn genetic diseases. Last evaluated: 2021-10-21. Review status: criteria provided, single submitter. Criteria: Ambry Variant Classification Scheme 2023. Collection method: clinical testing. Allele origin: germline.
Comment: The c.2414+4A>C intronic alteration consists of a A to C substitution 4 nucleotides after exon 12 of the PLK4 gene. Based on insufficient or conflicting evidence, the clinical significance of this alteration remains unclear.

Genetic Services Laboratory, University of Chicago
Classification: Uncertain significance. Last evaluated: 2018-08-31. Review status: criteria provided, single submitter. Criteria: ACMG Guidelines, 2015. Collection method: clinical testing. Allele origin: germline. Affected: no.

Literature cited by the submitters: PubMed 17576681 (cited by Labcorp Genetics (formerly Invitae), Labcorp); PubMed 9536098 (cited by Labcorp Genetics (formerly Invitae), Labcorp).